The following is an entry in ClinVar:

NM_017739.4(POMGNT1):c.669G>C (p.Glu223Asp)

Genes: POMGNT1 (protein O-linked mannose N-acetylglucosaminyltransferase 1 (beta 1,2-); minus strand), TSPAN1 (tetraspanin 1; plus strand). Cytogenetic location: 1p34.1.
Variant type: single nucleotide variant.
Coding change: c.669G>C on transcript NM_017739.4 (MANE Select); coding-DNA position 669, G replaced by C.
Protein change: p.Glu223Asp; replaces glutamic acid 223 with aspartic acid.
Molecular consequence: missense variant.
Genome position (GRCh38, 1-based): chr1:46,194,635, C>G on the plus strand (G>C on the coding strand, the complement: POMGNT1 is on the minus strand). VCF-style: chr1-46194635-C-G. GRCh37 (hg19) VCF-style: chr1-46660307-C-G.
Other names: c.669G>C, p.Glu223Asp (NM_001243766.2, NM_001410783.1); c.603G>C, p.Glu201Asp (NM_001290129.3); c.240G>C, p.Glu80Asp (NM_001290130.2); short protein forms E201D, E223D, E80D.
Identifiers: ClinVar variation 1047624 (VCV001047624.9), dbSNP rs1658072717, ClinGen allele CA340184568.
Genomic context (GRCh38, chr1:46,194,635, plus strand): 5'-ATCTGTCTTCAGCAGGACTGGGTCCCCCCAGGAAGAGAGGGCAGGTGATTTAGAATGTTT[C>G]TCCCCGAAGACAGGACCTGGCAGGAGGCAGGAATGAGGGCCATGGGGGCCCAGACACCAG-3'
Protein context (NP_060209.4, residues 213-233): VGRKGGPVFG[Glu223Asp]KHSKSPALSS

ClinVar aggregate classification (germline): Uncertain significance (1 of 4 stars; one submission).

Conditions:
Autosomal recessive limb-girdle muscular dystrophy type 2O. Also called: Limb-Girdle Muscular Dystrophy Type 3C; MUSCULAR DYSTROPHY-DYSTROGLYCANOPATHY (LIMB-GIRDLE), TYPE C, 3; MUSCULAR DYSTROPHY-DYSTROGLYCANOPATHY, LIMB-GIRDLE, POMGNT1-RELATED. Identifiers: Orphanet 206564, MedGen C3150417, MONDO:0013161, OMIM 613157.
Muscular dystrophy-dystroglycanopathy (congenital with impaired intellectual development), type B, 3. Also called: MUSCULAR DYSTROPHY, CONGENITAL, POMGNT1-RELATED; Muscular dystrophy-dystroglycanopathy (congenital with intellectual disability), type B3. Identifiers: MedGen C3150412, MONDO:0013155, OMIM 613151.

Allele frequency attached by ClinVar (database versions not stated): gnomAD exomes 0.00001.
gnomAD v4.1: 5 of 1,614,238 alleles (0.00031%); highest among the groups gnomAD compares: Non-Finnish European, 0.00042%; no homozygotes.

Submission:

Labcorp Genetics (formerly Invitae), Labcorp
Classification: Uncertain significance for Autosomal recessive limb-girdle muscular dystrophy type 2O; Muscular dystrophy-dystroglycanopathy (congenital with impaired intellectual development), type B, 3. Last evaluated: 2022-03-03. Review status: criteria provided, single submitter. Criteria: Invitae Variant Classification Sherloc (09022015). Collection method: clinical testing. Allele origin: germline.
Comment: This sequence change replaces glutamic acid, which is acidic and polar, with aspartic acid, which is acidic and polar, at codon 223 of the POMGNT1 protein (p.Glu223Asp). In summary, the available evidence is currently insufficient to determine the role of this variant in disease. Therefore, it has been classified as a Variant of Uncertain Significance. Advanced modeling of protein sequence and biophysical properties (such as structural, functional, and spatial information, amino acid conservation, physicochemical variation, residue mobility, and thermodynamic stability) performed at Invitae indicates that this missense variant is not expected to disrupt POMGNT1 protein function. ClinVar contains an entry for this variant (Variation ID: 1047624). This variant has not been reported in the literature in individuals affected with POMGNT1-related conditions. This variant is not present in population databases (gnomAD no frequency).